The following is an entry in ClinVar:

NM_000222.3:c.1646_1686del

Gene: KIT (KIT proto-oncogene, receptor tyrosine kinase; plus strand).
Variant type: Deletion.
Other names: c.1646_1686del (NM_000222.3).
Identifiers: ClinVar variation 2499510 (VCV002499510.1).

ClinVar aggregate classification (germline): drug response (0 of 4 stars; one submission).

Conditions:
Imatinib response. Also called: Gleevec response. Identifiers: MedGen CN077988.

Submission:

Genesolutions, Medical Genetics Institutes, Ho Chi Minh City, Vietnam
Classification: drug response for imatinib response. Last evaluated: 2023-04-14. Review status: no assertion criteria provided. Collection method: clinical testing. Allele origin: somatic. Affected: yes. Observed: 1 heterozygote.
Comment: highly responsive